The following is an entry in ClinVar:

NM_018896.5(CACNA1G):c.3499G>A (p.Glu1167Lys)

Gene: CACNA1G (calcium voltage-gated channel subunit alpha1 G; plus strand). Cytogenetic location: 17q21.33.
Variant type: single nucleotide variant.
Coding change: c.3499G>A on transcript NM_018896.5 (MANE Select); coding-DNA position 3499, G replaced by A.
Protein change: p.Glu1167Lys; replaces glutamic acid 1167 with lysine.
Molecular consequence: missense variant. On other transcripts: non-coding transcript variant (5).
Genome position (GRCh38, 1-based): chr17:50,599,668, G>A. VCF-style: chr17-50599668-G-A. GRCh37 (hg19) VCF-style: chr17-48677029-G-A.
Other names: c.3499G>A, p.Glu1167Lys (NM_001256334.2, NM_001256359.2, NM_001256360.2 and 16 more transcripts); c.3430G>A, p.Glu1144Lys (NM_198376.3, NM_198379.3, NM_001256332.2 and 5 more transcripts); short protein forms E1144K, E1167K.
Identifiers: ClinVar variation 4084988 (VCV004084988.8).
Genomic context (GRCh38, chr17:50,599,668, plus strand): 5'-GAAGAGGAGCGGGCCAGCCCTGCGGGCAGTGACCATCGCCACAGGGGGTCCCTGGAGCGG[G>A]AGGCCAAGAGTTCCTTTGACCTGCCAGACACACTGCAGGTGCCAGGGCTGCATCGCACTG-3'
Protein context (NP_061496.2, residues 1157-1177): DHRHRGSLER[Glu1167Lys]AKSSFDLPDT

ClinVar aggregate classification (germline): Uncertain significance (1 of 4 stars; one submission).

gnomAD v4.1: 1 of 1,613,190 alleles (0.000062%); highest among the groups gnomAD compares: Non-Finnish European, 0.000085%; no homozygotes.

Submission:

CeGaT Center for Human Genetics Tuebingen
Classification: Uncertain significance. Last evaluated: 2025-08-01. Review status: criteria provided, single submitter. Criteria: CeGaT Center For Human Genetics Tuebingen Variant Classification Criteria Version 2. Collection method: clinical testing. Allele origin: germline. Affected: yes. Observed: 1 variant allele.
Comment: CACNA1G: PM2